The following is an entry in ClinVar:

ClinVar aggregate classification (germline): Uncertain significance. Review status: criteria provided, multiple submitters, no conflicts (2 of 4 stars). 2 submissions from 2 submitters: Uncertain significance (2). Last evaluated 2022-05-04.

Allele frequency attached by ClinVar (database versions not stated): ExAC 0.00001; gnomAD exomes 0.00001; TOPMed 0.00003; gnomAD 0.00006 and 0.00007; ESP Exome Variant Server 0.00010.

Submissions (2):

Mendelics
Classification: Uncertain significance. Last evaluated: 2022-05-04. Review status: criteria provided, single submitter. Criteria: Mendelics Assertion Criteria 2019. Collection method: clinical testing. Allele origin: germline.

Women's Health and Genetics/Laboratory Corporation of America, LabCorp
Classification: Uncertain significance. Last evaluated: 2022-04-29. Review status: criteria provided, single submitter. Criteria: LabCorp Variant Classification Summary - May 2015. Collection method: clinical testing. Allele origin: germline.
Comment: Variant summary: BCORL1 c.4079_4081delATT (p.Asp1360_Leu1361delinsVal) results in an in-frame deletion-insertion that is predicted to delete one amino acids from the protein and also cause changes in one amino acids. The variant allele was found at a frequency of 1.1e-05 in 180890 control chromosomes. The available data on variant occurrences in the general population are insufficient to allow any conclusion about variant significance. To our knowledge, no occurrence of c.4079_4081delATT in individuals affected with Shukla-Vernon Syndrome and no experimental evidence demonstrating its impact on protein function have been reported. No clinical diagnostic laboratories have submitted clinical-significance assessments for this variant to ClinVar after 2014. Based on the evidence outlined above, the variant was classified as uncertain significance.

NM_001379451.1(BCORL1):c.4079_4081del (p.Asp1360_Leu1361delinsVal)

Gene: BCORL1 (BCL6 corepressor like 1; plus strand). Cytogenetic location: Xq26.1.
Variant type: Deletion.
Coding change: c.4079_4081del on transcript NM_001379451.1 (MANE Select); coding-DNA positions 4079 to 4081, 3 bases deleted (ATT; older notation c.4079_4081delATT).
Protein change: p.Asp1360_Leu1361delinsVal.
Molecular consequence: inframe indel.
Genome position (GRCh38, 1-based): chrX:130,028,635-130,028,637, ATT deleted. VCF-style (leftmost placement, unchanged base first): chrX-130028634-GATT-G. GRCh37 (hg19) VCF-style: chrX-129162609-GATT-G.
Other names: c.4079_4081del, p.Asp1360_Leu1361delinsVal (NM_001184772.3, NM_001379450.1, NM_021946.5).
Identifiers: ClinVar variation 1683375 (VCV001683375.2), dbSNP rs781578120, ClinGen allele CA10514637.